The following is an entry in ClinVar:

ClinVar aggregate classification (germline): Uncertain significance. Review status: criteria provided, multiple submitters, no conflicts (2 of 4 stars). 2 submissions from 2 submitters: Uncertain significance (2). Last evaluated 2024-06-03.

Conditions:
Early-infantile DEE. Also called: Ohtahara syndrome; Early infantile epileptic encephalopathy; Early infantile epileptic encephalopathy with suppression bursts. Identifiers: Orphanet 1934, MedGen C0393706, MONDO:0800491.

Submissions (2):

GeneDx
Classification: Uncertain significance. Last evaluated: 2024-06-03. Review status: criteria provided, single submitter. Criteria: GeneDx Variant Classification Process June 2021. Collection method: clinical testing. Allele origin: germline. Affected: yes.
Comment: Not observed at significant frequency in large population cohorts (gnomAD); In silico analysis supports that this missense variant has a deleterious effect on protein structure/function; This substitution is predicted to be within the N-terminal cytoplasmic domain; Has not been previously published as pathogenic or benign to our knowledge

Labcorp Genetics (formerly Invitae), Labcorp
Classification: Uncertain significance for Early-infantile DEE. Last evaluated: 2021-03-11. Review status: criteria provided, single submitter. Criteria: Invitae Variant Classification Sherloc (09022015). Collection method: clinical testing. Allele origin: germline.
Comment: In summary, the available evidence is currently insufficient to determine the role of this variant in disease. Therefore, it has been classified as a Variant of Uncertain Significance. Algorithms developed to predict the effect of missense changes on protein structure and function are either unavailable or do not agree on the potential impact of this missense change (SIFT: "Deleterious"; PolyPhen-2: "Possibly Damaging"; Align-GVGD: "Class C0"). This variant has not been reported in the literature in individuals with SCN8A-related conditions. This variant is not present in population databases (ExAC no frequency). This sequence change replaces leucine with phenylalanine at codon 97 of the SCN8A protein (p.Leu97Phe). The leucine residue is highly conserved and there is a small physicochemical difference between leucine and phenylalanine.

NM_001330260.2(SCN8A):c.291A>T (p.Leu97Phe)

Gene: SCN8A (sodium voltage-gated channel alpha subunit 8; plus strand). Cytogenetic location: 12q13.13.
Variant type: single nucleotide variant.
Coding change: c.291A>T on transcript NM_001330260.2 (MANE Select); coding-DNA position 291, A replaced by T.
Protein change: p.Leu97Phe; replaces leucine 97 with phenylalanine.
Molecular consequence: missense variant.
Genome position (GRCh38, 1-based): chr12:51,684,188, A>T. VCF-style: chr12-51684188-A-T. GRCh37 (hg19) VCF-style: chr12-52077972-A-T.
Other names: c.291A>T, p.Leu97Phe (NM_001177984.3, NM_001369788.1, NM_014191.4); c.291A>T (NM_014191.3); short protein forms L97F.
Identifiers: ClinVar variation 1386265 (VCV001386265.10), dbSNP rs2138707920, ClinGen allele CA385220607.